The following is an entry in ClinVar:

NM_006372.5(SYNCRIP):c.728A>G (p.Asn243Ser)

Gene: SYNCRIP (synaptotagmin binding cytoplasmic RNA interacting protein; minus strand). Cytogenetic location: 6q14.3.
Variant type: single nucleotide variant.
Coding change: c.728A>G on transcript NM_006372.5 (MANE Select); coding-DNA position 728, A replaced by G.
Protein change: p.Asn243Ser; replaces asparagine 243 with serine.
Molecular consequence: missense variant.
Genome position (GRCh38, 1-based): chr6:85,624,051, T>C on the plus strand (A>G on the coding strand, the complement: SYNCRIP is on the minus strand). VCF-style: chr6-85624051-T-C. GRCh37 (hg19) VCF-style: chr6-86333769-T-C.
Other names: c.434A>G, p.Asn145Ser (NM_001159673.2, NM_001410938.1); c.728A>G, p.Asn243Ser (NM_001159674.2, NM_001159675.2, NM_001159676.2 and 1 more transcripts); c.272A>G, p.Asn91Ser (NM_001253771.2); c.728A>G (NM_006372.4); short protein forms N145S, N243S, N91S.
Identifiers: ClinVar variation 2419300 (VCV002419300.7), dbSNP rs2537820926, ClinGen allele CA364905106.

ClinVar aggregate classification (germline): Uncertain significance. Review status: criteria provided, multiple submitters, no conflicts (2 of 4 stars). 2 submissions from 2 submitters: Uncertain significance (2). Last evaluated 2025-10-18.

Conditions:
Inborn genetic diseases. Identifiers: MedGen C0950123, MeSH D030342.

Allele frequency attached by ClinVar (database versions not stated): gnomAD exomes below 0.00001.

Submissions (2):

Ambry Genetics
Classification: Uncertain significance for Inborn genetic diseases. Last evaluated: 2025-10-18. Review status: criteria provided, single submitter. Criteria: Ambry Variant Classification Scheme 2023. Collection method: clinical testing. Allele origin: germline.

Labcorp Genetics (formerly Invitae), Labcorp
Classification: Uncertain significance. Last evaluated: 2022-07-26. Review status: criteria provided, single submitter. Criteria: Invitae Variant Classification Sherloc (09022015). Collection method: clinical testing. Allele origin: germline.
Comment: In summary, the available evidence is currently insufficient to determine the role of this variant in disease. Therefore, it has been classified as a Variant of Uncertain Significance. Algorithms developed to predict the effect of missense changes on protein structure and function are either unavailable or do not agree on the potential impact of this missense change (SIFT: "Tolerated"; PolyPhen-2: "Not Available"; Align-GVGD: "Class C0"). This variant has not been reported in the literature in individuals affected with SYNCRIP-related conditions. This variant is not present in population databases (gnomAD no frequency). This sequence change replaces asparagine, which is neutral and polar, with serine, which is neutral and polar, at codon 145 of the SYNCRIP protein (p.Asn145Ser).